The following is an entry in ClinVar:

ClinVar aggregate classification (germline): Uncertain significance (1 of 4 stars; one submission).

Conditions:
Familial thoracic aortic aneurysm and aortic dissection (TAAD). Also called: Thoracic aortic aneurysms and dissections. Identifiers: Orphanet 91387, MedGen C4707243, MONDO:0019625.

Submission:

Ambry Genetics
Classification: Uncertain significance for Familial thoracic aortic aneurysm and aortic dissection. Last evaluated: 2018-10-24. Review status: criteria provided, single submitter. Criteria: Ambry Variant Classification Scheme 2023. Collection method: clinical testing. Allele origin: germline.
Comment: The p.I1738L variant (also known as c.5212A>C), located in coding exon 41 of the FBN1 gene, results from an A to C substitution at nucleotide position 5212. The isoleucine at codon 1738 is replaced by leucine, an amino acid with highly similar properties. This amino acid position is not well conserved in available vertebrate species, and leucine is the reference amino acid in other vertebrate species. In addition, this alteration is predicted to be tolerated by in silico analysis. Since supporting evidence is limited at this time, the clinical significance of this alteration remains unclear.

NM_000138.5(FBN1):c.5212A>C (p.Ile1738Leu)

Gene: FBN1 (fibrillin 1; minus strand). Cytogenetic location: 15q21.1.
Variant type: single nucleotide variant.
Coding change: c.5212A>C on transcript NM_000138.5 (MANE Select); coding-DNA position 5212, A replaced by C.
Protein change: p.Ile1738Leu; replaces isoleucine 1738 with leucine.
Molecular consequence: missense variant.
Genome position (GRCh38, 1-based): chr15:48,463,094, T>G on the plus strand (A>C on the coding strand, the complement: FBN1 is on the minus strand). VCF-style: chr15-48463094-T-G. GRCh37 (hg19) VCF-style: chr15-48755291-T-G.
Other names: c.5212A>C, p.Ile1738Leu (NM_001406716.1); short protein forms I1738L.
Identifiers: ClinVar variation 1746116 (VCV001746116.2), dbSNP rs2505490834, ClinGen allele CA392348985.